The following is an entry in ClinVar:

ClinVar aggregate classification (germline): Benign/Likely benign. Review status: criteria provided, multiple submitters, no conflicts (2 of 4 stars). 3 submissions from 3 submitters: Benign (1); Likely benign (2). Last evaluated 2026-06-16.

Conditions:
Gastrointestinal stromal tumor. Also called: Gastrointestinal stroma tumor; Gastrointestinal stromal tumor, somatic. Identifiers: Orphanet 44890, MedGen C0238198, MeSH D046152, MONDO:0011719, OMIM 606764, HP:0100723.
Hereditary cancer-predisposing syndrome. Also called: Neoplastic Syndromes, Hereditary; Hereditary Cancer Syndrome; Hereditary neoplastic syndrome; Tumor predisposition. Identifiers: Orphanet 140162, MedGen C0027672, MeSH D009386, MONDO:0015356.
Polyps, multiple and recurrent inflammatory fibroid, gastrointestinal. Identifiers: MedGen C5193005, MONDO:0008285, OMIM 175510.

Allele frequency attached by ClinVar (database versions not stated): gnomAD exomes below 0.00001.

Submissions (3):

Myriad Genetics, Inc.
Classification: Benign for Polyps, multiple and recurrent inflammatory fibroid, gastrointestinal. Last evaluated: 2026-06-16. Review status: criteria provided, single submitter. Criteria: Myriad Autosomal Dominant, Autosomal Recessive and X-Linked Classification Criteria (2023). Collection method: clinical testing. Allele origin: unknown.
Comment: This variant is considered benign. This variant is a silent/synonymous amino acid change and it is not expected to impact splicing.

Labcorp Genetics (formerly Invitae), Labcorp
Classification: Likely benign for Gastrointestinal stromal tumor. Last evaluated: 2025-07-09. Review status: criteria provided, single submitter. Criteria: Invitae Variant Classification Sherloc (09022015). Collection method: clinical testing. Allele origin: germline.

Ambry Genetics
Classification: Likely benign for Hereditary cancer-predisposing syndrome. Last evaluated: 2023-11-15. Review status: criteria provided, single submitter. Criteria: Ambry Variant Classification Scheme 2023. Collection method: clinical testing. Allele origin: germline.

NM_006206.6(PDGFRA):c.279C>A (p.Ala93=)

Gene: PDGFRA (platelet derived growth factor receptor alpha; plus strand). Cytogenetic location: 4q12.
Variant type: single nucleotide variant.
Coding change: c.279C>A on transcript NM_006206.6 (MANE Select); coding-DNA position 279, C replaced by A.
Protein change: p.Ala93=; no amino-acid change (alanine 93 retained).
Molecular consequence: synonymous variant.
Genome position (GRCh38, 1-based): chr4:54,261,324, C>A. VCF-style: chr4-54261324-C-A. GRCh37 (hg19) VCF-style: chr4-55127491-C-A.
Other names: c.279C>A, p.Ala93= (NM_001347827.2, NM_001347829.2); c.354C>A, p.Ala118= (NM_001347828.2); c.318C>A, p.Ala106= (NM_001347830.2); c.279C>A (NM_006206.4).
Identifiers: ClinVar variation 1124272 (VCV001124272.11), dbSNP rs761821568, ClinGen allele CA2922261.